The following is an entry in ClinVar:

NM_133433.4(NIPBL):c.2352A>G (p.Gln784=)

Gene: NIPBL (NIPBL cohesin loading factor; plus strand). Cytogenetic location: 5p13.2.
Variant type: single nucleotide variant.
Coding change: c.2352A>G on transcript NM_133433.4 (MANE Select); coding-DNA position 2352, A replaced by G.
Protein change: p.Gln784=; no amino-acid change (glutamine 784 retained).
Molecular consequence: synonymous variant.
Genome position (GRCh38, 1-based): chr5:36,985,532, A>G. VCF-style: chr5-36985532-A-G. GRCh37 (hg19) VCF-style: chr5-36985634-A-G.
Other names: c.2352A>G, p.Gln784= (NM_015384.5).
Identifiers: ClinVar variation 798223 (VCV000798223.32), dbSNP rs61755038, ClinGen allele CA3236157.

ClinVar aggregate classification (germline): Likely benign. Review status: criteria provided, multiple submitters, no conflicts (2 of 4 stars). 2 submissions from 2 submitters: Likely benign (2). Last evaluated 2025-02-05.

Conditions:
Cornelia de Lange syndrome 1 (CDLS1). Also called: TYPUS DEGENERATIVUS AMSTELODAMENSIS; Brachmann de Lange syndrome; NIPBL-Related Cornelia de Lange Syndrome. Identifiers: Orphanet 199, MedGen C4551851, MONDO:0007387, OMIM 122470.

Allele frequency attached by ClinVar (database versions not stated): gnomAD exomes 0.00002; ExAC 0.00003; gnomAD 0.00010 and 0.00011; TOPMed 0.00014; ESP Exome Variant Server 0.00015.

Submissions (2):

Labcorp Genetics (formerly Invitae), Labcorp
Classification: Likely benign for Cornelia de Lange syndrome 1. Last evaluated: 2025-02-05. Review status: criteria provided, single submitter. Criteria: Invitae Variant Classification Sherloc (09022015). Collection method: clinical testing. Allele origin: germline.

CeGaT Center for Human Genetics Tuebingen
Classification: Likely benign. Last evaluated: 2022-06-01. Review status: criteria provided, single submitter. Criteria: CeGaT Center For Human Genetics Tuebingen Variant Classification Criteria Version 2. Collection method: clinical testing. Allele origin: germline. Affected: yes. Observed: 1 variant allele.
Comment: NIPBL: BP4, BP7